The following is an entry in ClinVar:

NM_201596.3(CACNB2):c.671-18T>C

Gene: CACNB2 (calcium voltage-gated channel auxiliary subunit beta 2; plus strand). Cytogenetic location: 10p12.31.
Variant type: single nucleotide variant.
Coding change: c.671-18T>C on transcript NM_201596.3 (MANE Select); 18 bases into the intron before coding-DNA position 671, T replaced by C.
Molecular consequence: intron variant.
Genome position (GRCh38, 1-based): chr10:18,514,218, T>C. VCF-style: chr10-18514218-T-C. GRCh37 (hg19) VCF-style: chr10-18803147-T-C.
Other names: c.587-18T>C (NM_201571.4); c.587-293T>C (NM_001167945.2); c.587-762T>C (NM_201572.4); c.671-293T>C (NM_201593.3); c.671-762T>C (NM_201597.3); c.506-18T>C (NM_000724.4); c.506-293T>C (NM_001330060.2); c.509-18T>C (NM_201590.3); and 1 more.
Identifiers: ClinVar variation 1636476 (VCV001636476.9), dbSNP rs551760338, ClinGen allele CA5429701.

ClinVar aggregate classification (germline): Benign. Review status: criteria provided, multiple submitters, no conflicts (2 of 4 stars). 2 submissions from 2 submitters: Benign (2). Last evaluated 2025-12-30.

Conditions:
Brugada syndrome 4 (BRGDA4). Identifiers: Orphanet 130, MedGen C2678477, MONDO:0012743, OMIM 611876.

Allele frequency attached by ClinVar (database versions not stated): gnomAD 0.00011; gnomAD exomes 0.00011 and 0.00059; TOPMed 0.00030; 1000 Genomes Project 0.00040; ExAC 0.00048; 1000 Genomes Project 30x 0.00062.
gnomAD v4.1: 178 of 1,613,790 alleles (0.011%); highest among the groups gnomAD compares: Admixed American, 0.29%; no homozygotes.

Submissions (2):

Labcorp Genetics (formerly Invitae), Labcorp
Classification: Benign for Brugada syndrome 4. Last evaluated: 2025-12-30. Review status: criteria provided, single submitter. Criteria: Invitae Variant Classification Sherloc (09022015). Collection method: clinical testing. Allele origin: germline.

Women's Health and Genetics/Laboratory Corporation of America, LabCorp
Classification: Benign. Last evaluated: 2024-09-09. Review status: criteria provided, single submitter. Criteria: LabCorp Variant Classification Summary - May 2015. Collection method: clinical testing. Allele origin: germline.
Comment: Variant summary: CACNB2 c.509-18T>C alters a conserved nucleotide located at a position not widely known to affect splicing. Consensus agreement among computation tools predict no significant impact on normal splicing. However, these predictions have yet to be confirmed by functional studies. The variant allele was found at a frequency of 0.00059 in 251180 control chromosomes. The observed variant frequency is approximately 59 fold of the estimated maximal expected allele frequency for a pathogenic variant in CACNB2 causing Arrhythmia phenotype (1e-05). To our knowledge, no occurrence of c.509-18T>C in individuals affected with Arrhythmia and no experimental evidence demonstrating its impact on protein function have been reported. ClinVar contains an entry for this variant (Variation ID: 1636476). Based on the evidence outlined above, the variant was classified as benign.